The following is an entry in ClinVar:

NM_018897.3(DNAH7):c.10753T>C (p.Phe3585Leu)

Gene: DNAH7 (dynein axonemal heavy chain 7; minus strand). Cytogenetic location: 2q32.3.
Variant type: single nucleotide variant.
Coding change: c.10753T>C on transcript NM_018897.3 (MANE Select); coding-DNA position 10753, T replaced by C.
Protein change: p.Phe3585Leu; replaces phenylalanine 3585 with leucine.
Molecular consequence: missense variant.
Genome position (GRCh38, 1-based): chr2:195,787,135, A>G on the plus strand (T>C on the coding strand, the complement: DNAH7 is on the minus strand). VCF-style: chr2-195787135-A-G. GRCh37 (hg19) VCF-style: chr2-196651859-A-G.
Other names: short protein forms F3585L.
Identifiers: ClinVar variation 375378 (VCV000375378.1), dbSNP rs1057519439, ClinGen allele CA16044214.

ClinVar aggregate classification (germline): Pathogenic (0 of 4 stars; one submission).

Conditions:
Abnormal muscle tone. Identifiers: MedGen C0852413, HP:0003808.
Seizure. Also called: Seizures. Identifiers: MedGen C0036572, HP:0001250.
Abnormal basal ganglia morphology. Also called: Abnormality of the basal ganglia. Identifiers: MedGen C4520981, MONDO:0003996, HP:0002134.
Hypoplasia of the corpus callosum. Also called: Corpus callosum hypoplasia. Identifiers: MedGen C0344482, HP:0002079.
Dyspnea. Also called: dyspnoea. Identifiers: MedGen C0013404, HP:0002094.

Submission:

Lupski Lab, Baylor-Hopkins CMG, Baylor College of Medicine
Classification: Pathogenic for Seizure; Hypoplasia of the corpus callosum; Abnormal basal ganglia morphology; Dyspnea; Abnormal muscle tone. Review status: no assertion criteria provided. Collection method: research. Allele origin: de novo. Inheritance: Autosomal dominant inheritance. Affected: yes.